The following is an entry in ClinVar:

NM_015559.3(SETBP1):c.4578GCC[2] (p.Pro1529del)

Gene: SETBP1 (SET binding protein 1; plus strand). Cytogenetic location: 18q12.3.
Variant type: Microsatellite.
Coding change: c.4578GCC[2] on transcript NM_015559.3 (MANE Select); two copies in a row of the 3-base unit GCC starting at c.4578; the reference has three copies in a row; one copy, 3 bases deleted.
Protein change: p.Pro1529del; deletes proline 1529.
Genome position (GRCh38, 1-based): chr18:45,063,491-45,063,493, GCC deleted; deleting any 3 consecutive bases within chr18:45,063,483-45,063,493 gives the same sequence; the position shown is the placement nearest the transcript's 3' end. VCF-style (leftmost placement, unchanged base first): chr18-45063482-ACCG-A. GRCh37 (hg19) VCF-style: chr18-42643447-ACCG-A.
Other names: c.4578GCC[2], p.Pro1529del (NM_001379141.1, NM_001379142.1); c.4407GCC[2], p.Pro1472del (NM_001410862.1); short protein forms P1472del, P1529del.
Identifiers: ClinVar variation 3645199 (VCV003645199.2).

ClinVar aggregate classification (germline): Uncertain significance (1 of 4 stars; one submission).

Submission:

Labcorp Genetics (formerly Invitae), Labcorp
Classification: Uncertain significance. Last evaluated: 2024-03-17. Review status: criteria provided, single submitter. Criteria: Invitae Variant Classification Sherloc (09022015). Collection method: clinical testing. Allele origin: germline.
Comment: This variant, c.4584_4586del, results in the deletion of 1 amino acid(s) of the SETBP1 protein (p.Pro1529del), but otherwise preserves the integrity of the reading frame. This variant is not present in population databases (gnomAD no frequency). This variant has not been reported in the literature in individuals affected with SETBP1-related conditions. Experimental studies and prediction algorithms are not available or were not evaluated, and the functional significance of this variant is currently unknown. In summary, the available evidence is currently insufficient to determine the role of this variant in disease. Therefore, it has been classified as a Variant of Uncertain Significance.